The following is an entry in ClinVar:

NM_002890.3(RASA1):c.1955A>C (p.Asn652Thr)

Genes: CCNH (cyclin H; minus strand), RASA1 (RAS p21 protein activator 1; plus strand). Cytogenetic location: 5q14.3.
Variant type: single nucleotide variant.
Coding change: c.1955A>C on transcript NM_002890.3 (MANE Select); coding-DNA position 1955, A replaced by C.
Protein change: p.Asn652Thr; replaces asparagine 652 with threonine.
Molecular consequence: missense variant. On other transcripts: intron variant (1).
Genome position (GRCh38, 1-based): chr5:87,374,860, A>C. VCF-style: chr5-87374860-A-C. GRCh37 (hg19) VCF-style: chr5-86670677-A-C.
Other names: c.1424A>C, p.Asn475Thr (NM_022650.3); c.933+20184T>G (NM_001364075.2); short protein forms N475T, N652T.
Identifiers: ClinVar variation 3786956 (VCV003786956.1).

ClinVar aggregate classification (germline): Uncertain significance (1 of 4 stars; one submission).

Conditions:
Cardiovascular phenotype. Identifiers: MedGen CN230736.

gnomAD v4.1: 4 of 1,609,846 alleles (0.00025%); highest among the groups gnomAD compares: Non-Finnish European, 0.00034%; no homozygotes.

Submission:

Ambry Genetics
Classification: Uncertain significance for Cardiovascular phenotype. Last evaluated: 2024-12-21. Review status: criteria provided, single submitter. Criteria: Ambry Variant Classification Scheme 2023. Collection method: clinical testing. Allele origin: germline.
Comment: The p.N652T variant (also known as c.1955A>C), located in coding exon 15 of the RASA1 gene, results from an A to C substitution at nucleotide position 1955. The asparagine at codon 652 is replaced by threonine, an amino acid with similar properties. This amino acid position is conserved. In addition, the in silico prediction for this alteration is inconclusive. Based on the available evidence, the clinical significance of this variant remains unclear.